The following is an entry in ClinVar:

ClinVar aggregate classification (germline): Uncertain significance (1 of 4 stars; one submission).

Submission:

Labcorp Genetics (formerly Invitae), Labcorp
Classification: Uncertain significance. Last evaluated: 2023-01-14. Review status: criteria provided, single submitter. Criteria: Invitae Variant Classification Sherloc (09022015). Collection method: clinical testing. Allele origin: germline.
Comment: In summary, the available evidence is currently insufficient to determine the role of this variant in disease. Therefore, it has been classified as a Variant of Uncertain Significance. Algorithms developed to predict the effect of missense changes on protein structure and function (SIFT, PolyPhen-2, Align-GVGD) all suggest that this variant is likely to be tolerated. This variant has not been reported in the literature in individuals affected with POLG2-related conditions. This variant is not present in population databases (gnomAD no frequency). This sequence change replaces asparagine, which is neutral and polar, with lysine, which is basic and polar, at codon 318 of the POLG2 protein (p.Asn318Lys).

NM_007215.4(POLG2):c.954T>A (p.Asn318Lys)

Genes: MILR1 (mast cell immunoglobulin like receptor 1; plus strand), POLG2 (DNA polymerase gamma 2, accessory subunit; minus strand). Cytogenetic location: 17q23.3.
Variant type: single nucleotide variant.
Coding change: c.954T>A on transcript NM_007215.4 (MANE Select); coding-DNA position 954, T replaced by A.
Protein change: p.Asn318Lys; replaces asparagine 318 with lysine.
Molecular consequence: missense variant.
Genome position (GRCh38, 1-based): chr17:64,490,811, A>T on the plus strand (T>A on the coding strand, the complement: POLG2 is on the minus strand). VCF-style: chr17-64490811-A-T. GRCh37 (hg19) VCF-style: chr17-62486928-A-T.
Other names: short protein forms N318K.
Identifiers: ClinVar variation 2828435 (VCV002828435.3), dbSNP rs2509545038, ClinGen allele CA400638421.